The following is an entry in ClinVar:

ClinVar aggregate classification (germline): Benign (0 of 4 stars; one submission).

Conditions:
TRPM3-related disorder. Also called: TRPM3-related condition.

Allele frequency attached by ClinVar (database versions not stated): ESP Exome Variant Server 0.11987; TOPMed 0.12429; 1000 Genomes Project 30x 0.13663; 1000 Genomes Project 0.13998.
gnomAD v4.1: 167,652 of 1,610,932 alleles (10%); highest among the groups gnomAD compares: East Asian, 23%; 9,473 homozygotes.

Submission:

PreventionGenetics, part of Exact Sciences
Classification: Benign for TRPM3-related condition. Last evaluated: 2019-10-21. Review status: no assertion criteria provided. Collection method: clinical testing. Allele origin: germline.
Comment: This variant is classified as benign based on ACMG/AMP sequence variant interpretation guidelines (Richards et al. 2015 PMID: 25741868, with internal and published modifications).

NM_001366145.2(TRPM3):c.1635A>C (p.Arg545=)

Gene: TRPM3 (transient receptor potential cation channel subfamily M member 3; minus strand). Cytogenetic location: 9q21.12.
Variant type: single nucleotide variant.
Coding change: c.1635A>C on transcript NM_001366145.2 (MANE Select); coding-DNA position 1635, A replaced by C.
Protein change: p.Arg545=; no amino-acid change (arginine 545 retained).
Molecular consequence: synonymous variant. On other transcripts: intron variant (9).
Genome position (GRCh38, 1-based): chr9:70,625,515, T>G on the plus strand (A>C on the coding strand, the complement: TRPM3 is on the minus strand). VCF-style: chr9-70625515-T-G. GRCh37 (hg19) VCF-style: chr9-73240431-T-G.
Other names: c.1641A>C, p.Arg547= (NM_001366142.2); c.1635A>C, p.Arg545= (NM_001366146.2, NM_001366149.2); c.1710A>C, p.Arg570= (NM_001366147.2, NM_001366148.2, NM_001366152.2); c.1176A>C, p.Arg392= (NM_001366154.2, NM_024971.7, NM_206945.5); c.1639-184A>C (NM_001366143.2, NM_001366141.2); c.1633-184A>C (NM_001366150.2, NM_001366151.2, NM_001007471.4); c.1174-184A>C (NM_206944.5, NM_020952.6); c.1249-184A>C (NM_206947.5, NM_206946.5).
Identifiers: ClinVar variation 3059226 (VCV003059226.2), dbSNP rs73451725, ClinGen allele CA5078502.
Genomic context (GRCh38, chr9:70,625,515, plus strand): 5'-TATTATTATGCTGGTTAATTAATTCACCTTAAAATAGATCCAACCGAAACCTGGATACTC[T>G]CGCTTGGAAAGAAGACATAAGTTAAATAAGAAGATGCAGTAATCGTCGGCAATAATAGAA-3'
Protein context (NP_001353074.1, residues 535-555): LYHLVRDVKK[Arg545=]EYPGFGWIYF